The following is an entry in ClinVar:

NM_000642.3(AGL):c.3203A>G (p.Tyr1068Cys)

Gene: AGL (amylo-alpha-1,6-glucosidase and 4-alpha-glucanotransferase; plus strand). Cytogenetic location: 1p21.2.
Variant type: single nucleotide variant.
Coding change: c.3203A>G on transcript NM_000642.3 (MANE Select); coding-DNA position 3203, A replaced by G.
Protein change: p.Tyr1068Cys; replaces tyrosine 1068 with cysteine.
Molecular consequence: missense variant.
Genome position (GRCh38, 1-based): chr1:99,892,551, A>G. VCF-style: chr1-99892551-A-G. GRCh37 (hg19) VCF-style: chr1-100358107-A-G.
Other names: p.Tyr1068Cys; c.3203A>G, p.Tyr1068Cys (NM_000028.3, NM_000643.3, NM_000644.3 and 1 more transcripts); c.3155A>G, p.Tyr1052Cys (NM_000646.3); c.3182A>G, p.Tyr1061Cys (NM_001425326.1); c.3002A>G, p.Tyr1001Cys (NM_001425327.1); c.2999A>G, p.Tyr1000Cys (NM_001425328.1); c.2864A>G, p.Tyr955Cys (NM_001425329.1); c.2825A>G, p.Tyr942Cys (NM_001425332.1); short protein forms Y1068C, Y1052C, Y1000C, Y1001C, Y1061C, Y942C, Y955C.
Identifiers: ClinVar variation 281333 (VCV000281333.47), dbSNP rs147165298, ClinGen allele CA966997.

ClinVar aggregate classification (germline): Benign/Likely benign. Review status: criteria provided, multiple submitters, no conflicts (2 of 4 stars). 8 submissions from 8 submitters: Benign (3); Likely benign (4). 1 of the submissions does not count toward it. Last evaluated 2026-08-01.

Conditions:
AGL-related disorder. Also called: AGL-related condition.
Glycogen storage disease type III (GSD3). Also called: FORBES DISEASE; Cori disease. Identifiers: Orphanet 366, MedGen C0017922, MONDO:0009291, OMIM 232400.

Allele frequency attached by ClinVar (database versions not stated): gnomAD exomes 0.00016 and 0.00046; ExAC 0.00069; 1000 Genomes Project 30x 0.00156; 1000 Genomes Project 0.00160; gnomAD 0.00175 and 0.00193; TOPMed 0.00182; ESP Exome Variant Server 0.00215.
gnomAD v4.1: 506 of 1,613,624 alleles (0.031%); highest among the groups gnomAD compares: African/African-American, 0.58%; 5 homozygotes.

Submissions (8):

CeGaT Center for Human Genetics Tuebingen
Classification: Likely benign. Last evaluated: 2026-08-01. Review status: criteria provided, single submitter. Criteria: CeGaT Center For Human Genetics Tuebingen Variant Classification Criteria Version 2. Collection method: clinical testing. Allele origin: germline. Affected: yes. Observed: 3 variant alleles.
Comment: AGL: BP4, BS2

Labcorp Genetics (formerly Invitae), Labcorp
Classification: Benign for Glycogen storage disease type III. Last evaluated: 2026-01-31. Review status: criteria provided, single submitter. Criteria: Invitae Variant Classification Sherloc (09022015). Collection method: clinical testing. Allele origin: germline.

Mayo Clinic Laboratories, Mayo Clinic
Classification: Likely benign. Last evaluated: 2025-10-15. Review status: criteria provided, single submitter. Criteria: ACMG Guidelines, 2015. Collection method: clinical testing. Allele origin: germline. Observed: 7 variant alleles.
Comment: BS1, BP4_moderate

Blueprint Genetics
Classification: Likely benign. Last evaluated: 2024-11-01. Review status: criteria provided, single submitter. Criteria: ACMG Guidelines, 2015. Collection method: clinical testing. Allele origin: germline.

Genome-Nilou Lab
Classification: Benign for Glycogen storage disease type III. Last evaluated: 2021-07-15. Review status: criteria provided, single submitter. Criteria: ACMG Guidelines, 2015. Collection method: clinical testing. Allele origin: germline. Affected: no.

GeneDx
Classification: Likely benign. Last evaluated: 2020-03-02. Review status: criteria provided, single submitter. Criteria: GeneDx Variant Classification Process June 2021. Collection method: clinical testing. Allele origin: germline. Affected: yes.

Eurofins Ntd Llc (ga)
Classification: Benign. Last evaluated: 2015-06-10. Review status: criteria provided, single submitter. Criteria: EGL Classification Definitions 2015. Collection method: clinical testing. Allele origin: germline. Observed: 1 variant allele, 1 heterozygote.

PreventionGenetics, part of Exact Sciences
Classification: Likely benign for AGL-related condition. Last evaluated: 2019-08-15. Review status: no assertion criteria provided. Collection method: clinical testing. Allele origin: germline. Not counted in ClinVar's aggregate classification.
Comment: This variant is classified as likely benign based on ACMG/AMP sequence variant interpretation guidelines (Richards et al. 2015 PMID: 25741868, with internal and published modifications).